The following is an entry in ClinVar:

ClinVar aggregate classification (germline): Likely pathogenic (1 of 4 stars; one submission).

Conditions:
Hereditary breast ovarian cancer syndrome. Also called: Hereditary breast and ovarian cancer syndrome; Hereditary breast and ovarian cancer; Hereditary breast and ovarian cancer syndrome (HBOC); Breast and ovarian cancer; Hereditary breast and/or ovarian cancer syndrome; BRCA1- and BRCA2-Associated Hereditary Breast and Ovarian Cancer. Identifiers: Orphanet 145, MedGen C0677776, MeSH D061325, MONDO:0003582. Disease mechanism: loss of function.

gnomAD v4.1: 1 of 1,613,656 alleles (0.000062%); highest among the groups gnomAD compares: Non-Finnish European, 0.000085%; no homozygotes.

Submission:

Laboratory for Molecular Medicine, Mass General Brigham Personalized Medicine
Classification: Likely pathogenic for Hereditary breast ovarian cancer syndrome. Last evaluated: 2019-10-14. Review status: criteria provided, single submitter. Criteria: ACMG Guidelines, 2015. Collection method: clinical testing. Allele origin: germline.
Comment: The p.Leu3093X variant in BRCA2 has not been previously reported in individuals with hereditary breast and/or ovarian cancer (HBOC) and was absent from large population studies. This nonsense variant leads to a premature termination codon at position 3093, which is predicted to lead to a truncated or absent protein. Loss of function of the BRCA2 gene is an established disease mechanism in autosomal dominant HBOC. In summary, although additional studies are required to fully establish its clinical significance, this variant meets criteria to be classified as likely pathogenic for autosomal dominant HBOC. ACMG/AMP Criteria applied: PVS1, PM2.

NM_000059.4(BRCA2):c.9278T>A (p.Leu3093Ter)

Gene: BRCA2 (BRCA2 DNA repair associated; plus strand). Cytogenetic location: 13q13.1.
Variant type: single nucleotide variant.
Coding change: c.9278T>A on transcript NM_000059.4 (MANE Select); coding-DNA position 9278, T replaced by A.
Protein change: p.Leu3093Ter; replaces leucine 3093 with a stop codon.
Molecular consequence: nonsense. On other transcripts: non-coding transcript variant (1).
Genome position (GRCh38, 1-based): chr13:32,394,710, T>A. VCF-style: chr13-32394710-T-A. GRCh37 (hg19) VCF-style: chr13-32968847-T-A.
Other names: c.9182T>A, p.Leu3061Ter (NM_001406719.1); c.9227T>A, p.Leu3076Ter (NM_001406720.1); c.4346T>A, p.Leu1449Ter (NM_001406721.1); c.2861T>A, p.Leu954Ter (NM_001406722.1); short protein forms L1449*, L3061*, L3076*, L3093*, L954*.
Identifiers: ClinVar variation 3075791 (VCV003075791.1), dbSNP rs2137652071, ClinGen allele CA387760791.